The following is an entry in ClinVar:

ClinVar aggregate classification (germline): Conflicting classifications of pathogenicity. Review status: criteria provided, conflicting classifications (1 of 4 stars). 2 submissions from 2 submitters: Likely pathogenic (1); Uncertain significance (1). Last evaluated 2025-12-19.

Conditions:
Familial thoracic aortic aneurysm and aortic dissection (TAAD). Also called: Thoracic aortic aneurysms and dissections. Identifiers: Orphanet 91387, MedGen C4707243, MONDO:0019625.

Submissions (2):

Ambry Genetics
Classification: Uncertain significance for Familial thoracic aortic aneurysm and aortic dissection. Last evaluated: 2025-12-19. Review status: criteria provided, single submitter. Criteria: Ambry Variant Classification Scheme 2023. Collection method: clinical testing. Allele origin: germline.
Comment: The c.5160C>T variant (also known as p.G1720G), located in coding exon 29 of the FLNA gene, results from a C to T substitution at nucleotide position 5160. This nucleotide substitution does not change the glycine at codon 1720. This nucleotide position is not well conserved in available vertebrate species. In silico splice site analysis predicts that this alteration will result in the creation or strengthening of a novel splice donor site. Since supporting evidence is limited at this time, the clinical significance of this alteration remains unclear.

Institute for Clinical Genetics, University Hospital TU Dresden, University Hospital TU Dresden
Classification: Likely pathogenic. Last evaluated: 2021-11-03. Review status: criteria provided, single submitter. Criteria: ACMG Guidelines, 2015. Collection method: clinical testing. Allele origin: germline.

NM_001110556.2(FLNA):c.5184C>T (p.Gly1728=)

Gene: FLNA (filamin A; minus strand). Cytogenetic location: Xq28.
Variant type: single nucleotide variant.
Coding change: c.5184C>T on transcript NM_001110556.2 (MANE Select); coding-DNA position 5184, C replaced by T.
Protein change: p.Gly1728=; no amino-acid change (glycine 1728 retained).
Molecular consequence: synonymous variant.
Genome position (GRCh38, 1-based): chrX:154,354,858, G>A on the plus strand (C>T on the coding strand, the complement: FLNA is on the minus strand). VCF-style: chrX-154354858-G-A. GRCh37 (hg19) VCF-style: chrX-153583226-G-A.
Other names: c.5160C>T, p.Gly1720= (NM_001456.4).
Identifiers: ClinVar variation 1319334 (VCV001319334.6), dbSNP rs2148107375, ClinGen allele CA519707200.
Genomic context (GRCh38, chrX:154,354,858, plus strand): 5'-GCTGACCTACCCCCCACCCCTCCTCACCGTCACTTGGAAGGGGCTGTTGGGCACGTGCTC[G>A]CCACCAAAGCGCACACAGATGACGTATTTGCCCGGCTGGGGGGCCGTGTAGAAGATGTCG-3'
Protein context (NP_001104026.1, residues 1718-1738): GKYVICVRFG[Gly1728=]EHVPNSPFQV